The following is an entry in ClinVar:

ClinVar aggregate classification (germline): Uncertain significance. Review status: criteria provided, multiple submitters, no conflicts (2 of 4 stars). 2 submissions from 2 submitters: Uncertain significance (2). Last evaluated 2026-07-01.

Conditions:
Glycogen storage disease, type II (IOPD). Also called: Glycogen storage disease type 2; Acid maltase deficiency disease; Aglucosidase alfa; Deficiency of alpha-glucosidase; Deficiency of lysosomal alpha-glucosidase; POMPE DISEASE, INFANTILE-ONSET. Identifiers: Orphanet 365, MedGen C0017921, MONDO:0009290, OMIM 232300.

Submissions (2):

Genomenon, Inc
Classification: Uncertain significance for Glycogen storage disease, type II. Last evaluated: 2026-07-01. Review status: criteria provided, single submitter. Criteria: Genomenon Sequence Variant Interpretation Standards - Updated. Collection method: curation. Allele origin: germline.
Comment: GAA p.Gly370Val (c.1109G>T) is a missense variant that changes the amino acid at codon 370 from Glycine to Valine. This variant has been reported in the compound heterozygous and/or homozygous state in at least one individual without a confirmed diagnosis of Pompe disease (PMID:37235686). It is absent or not present at a significant frequency in gnomAD. In silico models predict that this variant is possibly or probably damaging. In conclusion, we classify GAA p.Gly370Val (c.1109G>T) as a variant of uncertain significance.

Women's Health and Genetics/Laboratory Corporation of America, LabCorp
Classification: Uncertain significance. Last evaluated: 2024-11-01. Review status: criteria provided, single submitter. Criteria: LabCorp Variant Classification Summary - May 2015. Collection method: clinical testing. Allele origin: germline.
Comment: Variant summary: GAA c.1109G>T (p.Gly370Val) results in a non-conservative amino acid change located in the Glycoside hydrolase family 31, TIM barrel domain (IPR000322) of the encoded protein sequence. Five of five in-silico tools predict a damaging effect of the variant on protein function. The variant was absent in 249080 control chromosomes. c.1109G>T has been reported in the literature in a homozygous individual affected with Glycogen Storage Disease, Type 2 (Pompe Disease (Tardieu_2023). These data indicate that the variant may be associated with disease. To our knowledge, no experimental evidence demonstrating an impact on protein function has been reported. The following publication have been ascertained in the context of this evaluation (PMID: 37235686). No submitters have cited clinical-significance assessments for this variant to ClinVar. Based on the evidence outlined above, the variant was classified as VUS-possibly pathogenic.

Literature cited by the submitters: PubMed 37235686 (cited by Genomenon, Inc and Women's Health and Genetics/Laboratory Corporation of America, LabCorp).

NM_000152.5(GAA):c.1109G>T (p.Gly370Val)

Gene: GAA (alpha glucosidase; plus strand). Cytogenetic location: 17q25.3.
Variant type: single nucleotide variant.
Coding change: c.1109G>T on transcript NM_000152.5 (MANE Select); coding-DNA position 1109, G replaced by T.
Protein change: p.Gly370Val; replaces glycine 370 with valine.
Molecular consequence: missense variant.
Genome position (GRCh38, 1-based): chr17:80,108,522, G>T. VCF-style: chr17-80108522-G-T. GRCh37 (hg19) VCF-style: chr17-78082321-G-T.
Other names: c.1109G>T, p.Gly370Val (NM_001079803.3, NM_001079804.3, NM_001406741.1 and 1 more transcripts); short protein forms G370V.
Identifiers: ClinVar variation 3629878 (VCV003629878.2).